The following is an entry in ClinVar:

ClinVar aggregate classification (germline): Benign (1 of 4 stars; one submission).

Conditions:
Familial cancer of breast. Also called: hereditary breast carcinoma; BREAST CANCER, FAMILIAL; Hereditary breast cancer. Identifiers: Orphanet 227535, MedGen C0346153, MONDO:0016419, OMIM 114480. Disease mechanism: loss of function.

gnomAD v4.1: 1 of 1,604,262 alleles (0.000062%); highest among the groups gnomAD compares: Non-Finnish European, 0.000085%; no homozygotes.

Submission:

Myriad Genetics, Inc.
Classification: Benign for Familial cancer of breast. Last evaluated: 2024-06-05. Review status: criteria provided, single submitter. Criteria: Myriad Autosomal Dominant, Autosomal Recessive and X-Linked Classification Criteria (2023). Collection method: clinical testing. Allele origin: unknown.
Comment: This variant is considered benign. This variant is a silent/synonymous amino acid change and it is not expected to impact splicing.

NM_000051.4(ATM):c.6342C>G (p.Ser2114=)

Genes: ATM (ATM serine/threonine kinase; plus strand), C11orf65 (chromosome 11 open reading frame 65; minus strand). Cytogenetic location: 11q22.3.
Variant type: single nucleotide variant.
Coding change: c.6342C>G on transcript NM_000051.4 (MANE Select); coding-DNA position 6342, C replaced by G.
Protein change: p.Ser2114=; no amino-acid change (serine 2114 retained).
Molecular consequence: synonymous variant. On other transcripts: intron variant (2).
Genome position (GRCh38, 1-based): chr11:108,317,516, C>G. VCF-style: chr11-108317516-C-G. GRCh37 (hg19) VCF-style: chr11-108188243-C-G.
Other names: c.6342C>G, p.Ser2114= (NM_001351834.2); c.641-8445G>C (NM_001330368.2); c.*39-8445G>C (NM_001351110.2).
Identifiers: ClinVar variation 3254078 (VCV003254078.1), dbSNP rs754020535.
Genomic context (GRCh38, chr11:108,317,516, plus strand): 5'-ACTAGAAGAACTTCATTACCAAGCAGCATGGAGGAATATGCAGTGGGACCATTGCACTTC[C>G]GTCAGGTAAGAAATTTGACTTGATTTTTTTTTTTTTGCCTCTCTCCTCATTCTAAACAAC-3'
Protein context (NP_000042.3, residues 2104-2124): WRNMQWDHCT[Ser2114=]VSKEVEGTSY